The following is an entry in ClinVar:

NM_207122.2(EXT2):c.260T>G (p.Met87Arg)

Gene: EXT2 (exostosin glycosyltransferase 2; plus strand). Cytogenetic location: 11p11.2.
Variant type: single nucleotide variant.
Coding change: c.260T>G on transcript NM_207122.2 (MANE Select); coding-DNA position 260, T replaced by G.
Protein change: p.Met87Arg; replaces methionine 87 with arginine.
Molecular consequence: missense variant.
Genome position (GRCh38, 1-based): chr11:44,107,972, T>G. VCF-style: chr11-44107972-T-G. GRCh37 (hg19) VCF-style: chr11-44129522-T-G.
Other names: c.359T>G, p.Met120Arg (NM_000401.3); c.260T>G, p.Met87Arg (NM_001178083.3, NM_001389628.1, NM_001389630.1); short protein forms M120R, M87R.
Identifiers: ClinVar variation 134211 (VCV000134211.25), dbSNP rs140075817, ClinGen allele CA215090.

ClinVar aggregate classification (germline): Conflicting classifications of pathogenicity. Review status: criteria provided, conflicting classifications (1 of 4 stars). 7 submissions from 7 submitters: Uncertain significance (2); Benign (2); Likely benign (2). 1 of the submissions does not count toward it. Last evaluated 2026-01-28.

Conditions:
Exostoses, multiple, type 2 (EXT2). Also called: Hereditary Multiple Osteochondromatosis, Type II; EXOSTOSES, MULTIPLE, TYPE II. Identifiers: Orphanet 321, MedGen C1851413, MONDO:0007586, OMIM 133701.

Allele frequency attached by ClinVar (database versions not stated): 1000 Genomes Project 0.00020; TOPMed 0.00027; 1000 Genomes Project 30x 0.00031; gnomAD 0.00031; gnomAD exomes 0.00032 and 0.00035; ExAC 0.00034; ESP Exome Variant Server 0.00054.
gnomAD v4.1: 523 of 1,614,200 alleles (0.032%); highest among the groups gnomAD compares: Admixed American, 0.047%; 1 homozygote.

Submissions (7):

Labcorp Genetics (formerly Invitae), Labcorp
Classification: Benign for Exostoses, multiple, type 2. Last evaluated: 2026-01-28. Review status: criteria provided, single submitter. Criteria: Invitae Variant Classification Sherloc (09022015). Collection method: clinical testing. Allele origin: germline.

Women's Health and Genetics/Laboratory Corporation of America, LabCorp
Classification: Uncertain significance. Last evaluated: 2025-10-02. Review status: criteria provided, single submitter. Criteria: LabCorp Variant Classification Summary - May 2015. Collection method: clinical testing. Allele origin: germline.
Comment: Variant summary: EXT2 c.260T>G (p.Met87Arg) results in a non-conservative amino acid change in the encoded protein sequence. Algorithms developed to predict the effect of missense changes on protein structure and function all suggest that this variant is likely to be disruptive. The variant allele was found at a frequency of 0.00035 in 251194 control chromosomes. This frequency is not significantly higher than estimated for disease-causing variants in EXT2, allowing no conclusion about variant significance. c.260T>G has been reported in a homozygous state in cis with another variant of uncertain significance in four related individuals affected with Seizures, Scoliosis, And Macrocephaly Syndrome without osteochondromas reported in the family and has also been reported without strong evidence for causality in at least one individual with multiple osteochondromas (e.g. Farhan_2015, Gnoli_2024). These reports do not provide unequivocal conclusions about association of the variant with Seizures, Scoliosis, And Macrocephaly Syndrome. At least one publication reports experimental evidence evaluating an impact on protein function and found that the variant results in >75%-90% of WT protein expression in vitro (Farhan_2015). The following publications have been ascertained in the context of this evaluation (PMID: 26246518, 38351015). ClinVar contains an entry for this variant (Variation ID: 134211). Based on the evidence outlined above, the variant was classified as uncertain significance.

Institute for Clinical Genetics, University Hospital TU Dresden, University Hospital TU Dresden
Classification: Uncertain significance. Last evaluated: 2021-11-03. Review status: criteria provided, single submitter. Criteria: ACMG Guidelines, 2015. Collection method: clinical testing. Allele origin: germline.

Mendelics
Classification: Likely benign for Exostoses, multiple, type 2. Last evaluated: 2021-10-08. Review status: criteria provided, single submitter. Criteria: Mendelics Assertion Criteria 2017. Collection method: clinical testing. Allele origin: unknown.

GeneDx
Classification: Likely benign. Last evaluated: 2021-03-22. Review status: criteria provided, single submitter. Criteria: GeneDx Variant Classification Process June 2021. Collection method: clinical testing. Allele origin: germline. Affected: yes.
Comment: In silico analysis, which includes protein predictors and evolutionary conservation, supports a deleterious effect; This variant is associated with the following publications: (PMID: 26246518)

Illumina Laboratory Services, Illumina
Classification: Benign for Exostoses, multiple, type 2. Last evaluated: 2018-01-12. Review status: criteria provided, single submitter. Criteria: ICSL Variant Classification Criteria 13 December 2019. Collection method: clinical testing. Allele origin: germline.
Comment: This variant was observed in the ICSL laboratory as part of a predisposition screen in an ostensibly healthy population. It had not been previously curated by ICSL or reported in the Human Gene Mutation Database (HGMD: prior to June 1st, 2018), and was therefore a candidate for classification through an automated scoring system. Utilizing variant allele frequency, disease prevalence and penetrance estimates, and inheritance mode, an automated score was calculated to assess if this variant is too frequent to cause the disease. Based on the score and internal cut-off values, a variant classified as benign is not then subjected to further curation. The score for this variant resulted in a classification of benign for this disease.

ITMI
No classification provided. Condition: AllHighlyPenetrant. Last evaluated: 2013-09-19. Review status: no classification provided. Collection method: reference population. Allele origin: germline. Not counted in ClinVar's aggregate classification.
Comment: Please see associated publication for description of ethnicities

Literature cited by the submitters: PubMed 26246518 (cited by Women's Health and Genetics/Laboratory Corporation of America, LabCorp); PubMed 38351015 (cited by Women's Health and Genetics/Laboratory Corporation of America, LabCorp); PubMed 24728327 (cited by ITMI).